The following is an entry in ClinVar:

ClinVar aggregate classification (germline): Uncertain significance (1 of 4 stars; one submission).

Conditions:
ZMIZ1-related disorder. Also called: ZMIZ1-related condition.

Submission:

PreventionGenetics, part of Exact Sciences
Classification: Uncertain significance for ZMIZ1-related condition. Last evaluated: 2022-10-26. Review status: criteria provided, single submitter. Criteria: ACMG Guidelines, 2015. Collection method: clinical testing. Allele origin: germline.
Comment: The ZMIZ1 c.653G>A variant is predicted to result in the amino acid substitution p.Gly218Glu. To our knowledge, this variant has not been reported in the literature or in a large population database, indicating this variant is rare. At this time, the clinical significance of this variant is uncertain due to the absence of conclusive functional and genetic evidence.

NM_020338.4(ZMIZ1):c.653G>A (p.Gly218Glu)

Gene: ZMIZ1 (zinc finger MIZ-type containing 1; plus strand). Cytogenetic location: 10q22.3.
Variant type: single nucleotide variant.
Coding change: c.653G>A on transcript NM_020338.4 (MANE Select); coding-DNA position 653, G replaced by A.
Protein change: p.Gly218Glu; replaces glycine 218 with glutamic acid.
Molecular consequence: missense variant.
Genome position (GRCh38, 1-based): chr10:79,291,071, G>A. VCF-style: chr10-79291071-G-A. GRCh37 (hg19) VCF-style: chr10-81050828-G-A.
Other names: short protein forms G218E.
Identifiers: ClinVar variation 2637260 (VCV002637260.1), dbSNP rs2493821212, ClinGen allele CA377332426.